The following is an entry in ClinVar:

NM_001122659.3(EDNRB):c.248G>T (p.Arg83Leu)

Gene: EDNRB (endothelin receptor type B; minus strand). Cytogenetic location: 13q22.3.
Variant type: single nucleotide variant.
Coding change: c.248G>T on transcript NM_001122659.3 (MANE Select); coding-DNA position 248, G replaced by T.
Protein change: p.Arg83Leu; replaces arginine 83 with leucine.
Molecular consequence: missense variant.
Genome position (GRCh38, 1-based): chr13:77,918,326, C>A on the plus strand (G>T on the coding strand, the complement: EDNRB is on the minus strand). VCF-style: chr13-77918326-C-A. GRCh37 (hg19) VCF-style: chr13-78492461-C-A.
Other names: c.248G>T, p.Arg83Leu (NM_000115.5, NM_003991.4); c.518G>T, p.Arg173Leu (NM_001201397.2); short protein forms R173L, R83L.
Identifiers: ClinVar variation 2887365 (VCV002887365.3), dbSNP rs1879919961, ClinGen allele CA388452741.
Genomic context (GRCh38, chr13:77,918,326, plus strand): 5'-ATGTATTTGAAAGTCTCCTTGATCTCGATGGGTCCTTGGCACGGGGGAGGGGAGATGGTG[C>A]GTGGCGGAGATCCTGCCGTCCTGTCTCCTTTAGGCACCTCCGCAGGTGCCAACGACCGCG-3'
Protein context (NP_001116131.1, residues 73-93): KGDRTAGSPP[Arg83Leu]TISPPPCQGP

ClinVar aggregate classification (germline): Uncertain significance (1 of 4 stars; one submission).

Submission:

Labcorp Genetics (formerly Invitae), Labcorp
Classification: Uncertain significance. Last evaluated: 2023-02-28. Review status: criteria provided, single submitter. Criteria: Invitae Variant Classification Sherloc (09022015). Collection method: clinical testing. Allele origin: germline.
Comment: In summary, the available evidence is currently insufficient to determine the role of this variant in disease. Therefore, it has been classified as a Variant of Uncertain Significance. Algorithms developed to predict the effect of sequence changes on RNA splicing suggest that this variant may create or strengthen a splice site. An algorithm developed to predict the effect of missense changes on protein structure and function (PolyPhen-2) suggests that this variant is likely to be disruptive. This variant has not been reported in the literature in individuals affected with EDNRB-related conditions. This variant is not present in population databases (gnomAD no frequency). This sequence change replaces arginine, which is basic and polar, with leucine, which is neutral and non-polar, at codon 83 of the EDNRB protein (p.Arg83Leu).